The following is an entry in ClinVar:

NM_020436.5(SALL4):c.645C>G (p.Leu215=)

Gene: SALL4 (spalt like transcription factor 4; minus strand). Cytogenetic location: 20q13.2.
Variant type: single nucleotide variant.
Coding change: c.645C>G on transcript NM_020436.5 (MANE Select); coding-DNA position 645, C replaced by G.
Protein change: p.Leu215=; no amino-acid change (leucine 215 retained).
Molecular consequence: synonymous variant.
Genome position (GRCh38, 1-based): chr20:51,791,838, G>C on the plus strand (C>G on the coding strand, the complement: SALL4 is on the minus strand). VCF-style: chr20-51791838-G-C. GRCh37 (hg19) VCF-style: chr20-50408377-G-C.
Other names: p.Leu215=; c.645C>G, p.Leu215= (NM_001318031.2); c.645C>G (LRG_675t1).
Identifiers: ClinVar variation 261265 (VCV000261265.16), dbSNP rs61737139, ClinGen allele CA9912411.

ClinVar aggregate classification (germline): Benign. Review status: criteria provided, multiple submitters, no conflicts (2 of 4 stars). 6 submissions from 6 submitters: Benign (6). Last evaluated 2026-02-01.

Conditions:
Duane-radial ray syndrome (DRRS). Also called: ACRORENOOCULAR SYNDROME; Duane-Radial Ray Syndrome/Okihiro Syndrome; Okihiro Syndrome; DR SYNDROME; DUANE ANOMALY WITH RADIAL RAY ABNORMALITIES AND DEAFNESS; Duane-Radial Ray Syndrome (DRRS) / Okihiro Syndrome. Identifiers: Orphanet 93293, Orphanet 959, MedGen C1623209, MONDO:0011812, OMIM 607323. Disease mechanism: gain of function.

Allele frequency attached by ClinVar (database versions not stated): 1000 Genomes Project 30x 0.01046; 1000 Genomes Project 0.01158; TOPMed 0.01942; gnomAD 0.02226; ESP Exome Variant Server 0.02245.
gnomAD v4.1: 44,909 of 1,614,128 alleles (2.8%); highest among the groups gnomAD compares: Non-Finnish European, 3.2%; 755 homozygotes.

Submissions (6):

Labcorp Genetics (formerly Invitae), Labcorp
Classification: Benign for Duane-radial ray syndrome. Last evaluated: 2026-02-01. Review status: criteria provided, single submitter. Criteria: Invitae Variant Classification Sherloc (09022015). Collection method: clinical testing. Allele origin: germline.

Mayo Clinic Laboratories, Mayo Clinic
Classification: Benign. Last evaluated: 2025-02-11. Review status: criteria provided, single submitter. Criteria: ACMG Guidelines, 2015. Collection method: clinical testing. Allele origin: germline. Observed: 3 variant alleles.
Comment: BS1, BS2, BP4, BP7

Blueprint Genetics
Classification: Benign. Last evaluated: 2024-11-28. Review status: criteria provided, single submitter. Criteria: ACMG Guidelines, 2015. Collection method: clinical testing. Allele origin: germline.

GeneDx
Classification: Benign. Last evaluated: 2015-03-03. Review status: criteria provided, single submitter. Criteria: GeneDx Variant Classification Process June 2021. Collection method: clinical testing. Allele origin: germline. Affected: yes.

Breakthrough Genomics
Classification: Benign. Review status: criteria provided, single submitter. Criteria: ACMG Guidelines, 2015. Collection method: not provided. Allele origin: germline. Inheritance: Autosomal dominant inheritance. Affected: yes.

PreventionGenetics, part of Exact Sciences
Classification: Benign. Review status: criteria provided, single submitter. Criteria: ACMG Guidelines, 2015. Collection method: clinical testing. Allele origin: germline.